The following is an entry in ClinVar:

NM_000285.4(PEPD):c.16G>C (p.Gly6Arg)

Gene: PEPD (peptidase D; minus strand). Cytogenetic location: 19q13.11.
Variant type: single nucleotide variant.
Coding change: c.16G>C on transcript NM_000285.4 (MANE Select); coding-DNA position 16, G replaced by C.
Protein change: p.Gly6Arg; replaces glycine 6 with arginine.
Molecular consequence: missense variant.
Genome position (GRCh38, 1-based): chr19:33,521,745, C>G on the plus strand (G>C on the coding strand, the complement: PEPD is on the minus strand). VCF-style: chr19-33521745-C-G. GRCh37 (hg19) VCF-style: chr19-34012651-C-G.
Other names: c.16G>C, p.Gly6Arg (NM_001166056.2, NM_001166057.2); short protein forms G6R.
Identifiers: ClinVar variation 1060300 (VCV001060300.6), dbSNP rs774320647, ClinGen allele CA9364547.
Genomic context (GRCh38, chr19:33,521,745, plus strand): 5'-GGGACACCCATGCCCCTCTCCACGCCAGCGGGAAAGAGCGAGGGAGGCGCAGCACTCACC[C>G]GGTGGCCGCCGCCATGTTCGCCCGGCACCGGCGTCACGTGAAGTGCGGCGTCAGCTGAGC-3'
Protein context (NP_000276.2, residues 1-16): MAAAT[Gly6Arg]PSFWLGNETL

ClinVar aggregate classification (germline): Uncertain significance (1 of 4 stars; one submission).

Allele frequency attached by ClinVar (database versions not stated): gnomAD 0.00001.
gnomAD v4.1: 5 of 1,554,482 alleles (0.00032%); highest among the groups gnomAD compares: South Asian, 0.0012%; no homozygotes.

Submission:

Labcorp Genetics (formerly Invitae), Labcorp
Classification: Uncertain significance. Last evaluated: 2022-02-10. Review status: criteria provided, single submitter. Criteria: Invitae Variant Classification Sherloc (09022015). Collection method: clinical testing. Allele origin: germline.
Comment: This sequence change replaces glycine, which is neutral and non-polar, with arginine, which is basic and polar, at codon 6 of the PEPD protein (p.Gly6Arg). The frequency data for this variant in the population databases is considered unreliable, as metrics indicate poor data quality at this position in the gnomAD database. This variant has not been reported in the literature in individuals affected with PEPD-related conditions. ClinVar contains an entry for this variant (Variation ID: 1060300). Algorithms developed to predict the effect of missense changes on protein structure and function output the following: SIFT: "Tolerated"; PolyPhen-2: "Benign"; Align-GVGD: "Class C0". The arginine amino acid residue is found in multiple mammalian species, which suggests that this missense change does not adversely affect protein function. In summary, the available evidence is currently insufficient to determine the role of this variant in disease. Therefore, it has been classified as a Variant of Uncertain Significance.